The following is an entry in ClinVar:

NM_006005.3(WFS1):c.2061G>C (p.Gln687His)

Gene: WFS1 (wolframin ER transmembrane glycoprotein; plus strand). Cytogenetic location: 4p16.1.
Variant type: single nucleotide variant.
Coding change: c.2061G>C on transcript NM_006005.3 (MANE Select); coding-DNA position 2061, G replaced by C.
Protein change: p.Gln687His; replaces glutamine 687 with histidine.
Molecular consequence: missense variant.
Genome position (GRCh38, 1-based): chr4:6,301,856, G>C. VCF-style: chr4-6301856-G-C. GRCh37 (hg19) VCF-style: chr4-6303583-G-C.
Other names: c.2061G>C, p.Gln687His (NM_001145853.1); short protein forms Q687H.
Identifiers: ClinVar variation 427196 (VCV000427196.11), dbSNP rs760938537, ClinGen allele CA2839587.

ClinVar aggregate classification (germline): Conflicting classifications of pathogenicity. Review status: criteria provided, conflicting classifications (1 of 4 stars). 3 submissions from 3 submitters: Likely pathogenic (1); Uncertain significance (2). Last evaluated 2025-08-17.

Conditions:
Autosomal dominant nonsyndromic hearing loss 6 (LFSNHL). Also called: Autosomal dominant nonsyndromic deafness 6; DEAFNESS, AUTOSOMAL DOMINANT 6; DEAFNESS, AUTOSOMAL DOMINANT 14; DEAFNESS, AUTOSOMAL DOMINANT 38. Identifiers: Orphanet 90635, MedGen C1833021, MONDO:0010963, OMIM 600965.
Type 2 diabetes mellitus. Also called: Type II diabetes mellitus. Identifiers: MedGen C0011860, MeSH D003924, MONDO:0005148, OMIM 125853, HP:0005978.
Wolfram syndrome 1 (WFS1). Identifiers: Orphanet 3463, MedGen C4551693, MONDO:0009101, OMIM 222300.
Cataract 41 (CTRCT41). Also called: CATARACT 41, CONGENITAL NUCLEAR TYPE. Identifiers: Orphanet 91492, Orphanet 98991, Orphanet 98992, Orphanet 98995, MedGen C3805412, MONDO:0007287, OMIM 116400.
Wolfram-like syndrome. Also called: HEARING LOSS, PROGRESSIVE, WITH OPTIC ATROPHY AND/OR IMPAIRED GLUCOSE REGULATION. Identifiers: Orphanet 411590, MedGen C3280358, MONDO:0013673, OMIM 614296.

Allele frequency attached by ClinVar (database versions not stated): gnomAD 0.00001; ExAC 0.00002.
gnomAD v4.1: 6 of 1,612,932 alleles (0.00037%); highest among the groups gnomAD compares: Admixed American, 0.0033%; no homozygotes.

Submissions (3):

Labcorp Genetics (formerly Invitae), Labcorp
Classification: Uncertain significance. Last evaluated: 2025-08-17. Review status: criteria provided, single submitter. Criteria: Invitae Variant Classification Sherloc (09022015). Collection method: clinical testing. Allele origin: germline.
Comment: This sequence change replaces glutamine, which is neutral and polar, with histidine, which is basic and polar, at codon 687 of the WFS1 protein (p.Gln687His). This variant is present in population databases (rs760938537, gnomAD 0.006%). This variant has not been reported in the literature in individuals affected with WFS1-related conditions. ClinVar contains an entry for this variant (Variation ID: 427196). Invitae Evidence Modeling of protein sequence and biophysical properties (such as structural, functional, and spatial information, amino acid conservation, physicochemical variation, residue mobility, and thermodynamic stability) indicates that this missense variant is expected to disrupt WFS1 protein function with a positive predictive value of 95%. In summary, the available evidence is currently insufficient to determine the role of this variant in disease. Therefore, it has been classified as a Variant of Uncertain Significance.

Fulgent Genetics
Classification: Uncertain significance for Cataract 41; Type 2 diabetes mellitus; Wolfram syndrome 1; Autosomal dominant nonsyndromic hearing loss 6; Wolfram-like syndrome. Last evaluated: 2024-04-24. Review status: criteria provided, single submitter. Criteria: ACMG Guidelines, 2015. Collection method: clinical testing. Allele origin: germline.

GeneDx
Classification: Likely pathogenic. Last evaluated: 2015-04-14. Review status: criteria provided, single submitter. Criteria: GeneDx Variant Classification (06012015). Collection method: clinical testing. Allele origin: germline. Affected: yes.
Comment: The Q687H variant has not been published as a pathogenic variant, nor has it been reported as a benign polymorphism to our knowledge. The Q687H variant was not observed in approximately 6500 individuals of European and African American ancestry in the NHLBI Exome Sequencing Project, indicating it is not a common benign variant in these populations. The Q687H variant is a semi-conservative amino acid substitution, which may impact secondary protein structure as these residues differ in some properties. This substitution occurs at a position that is conserved across species. In silico analysis predicts this variant is probably damaging to the protein structure/function. Missense variants in nearby residues (M683R, A684T/V/G, R685P/H, C690G/A, G695V, H696Y) have been reported in the Human Gene Mutation Database in association with Wolfram syndrome and sensorineural hearing loss (Stenson et al., 2014), supporting the functional importance of this region of the protein. Therefore, this variant is a strong candidate for a pathogenic variant, however the possibility that it is a benign variant cannot be excluded.